The following is an entry in ClinVar:

ClinVar aggregate classification (germline): Uncertain significance (1 of 4 stars; one submission).

Conditions:
Epilepsy, familial focal, with variable foci 3 (FFEVF3). Identifiers: MedGen C4310708, MONDO:0014925, OMIM 617118.

Submission:

Labcorp Genetics (formerly Invitae), Labcorp
Classification: Uncertain significance for Epilepsy, familial focal, with variable foci 3. Last evaluated: 2023-08-18. Review status: criteria provided, single submitter. Criteria: Invitae Variant Classification Sherloc (09022015). Collection method: clinical testing. Allele origin: germline.
Comment: In summary, the available evidence is currently insufficient to determine the role of this variant in disease. Therefore, it has been classified as a Variant of Uncertain Significance. Variants that disrupt the consensus splice site are a relatively common cause of aberrant splicing (PMID: 17576681, 9536098). Algorithms developed to predict the effect of sequence changes on RNA splicing suggest that this variant may disrupt the consensus splice site. This variant has not been reported in the literature in individuals affected with NPRL3-related conditions. This variant is not present in population databases (gnomAD no frequency). This sequence change falls in intron 12 of the NPRL3 gene. It does not directly change the encoded amino acid sequence of the NPRL3 protein. It affects a nucleotide within the consensus splice site.

Literature cited by the submitters: PubMed 17576681; PubMed 9536098.

NM_001077350.3(NPRL3):c.1351+3A>G

Genes: HBA-LCR (alpha-globin locus control region; plus strand), NPRL3 (NPR3 like, GATOR1 complex subunit; minus strand). Cytogenetic location: 16p13.3.
Variant type: single nucleotide variant.
Coding change: c.1351+3A>G on transcript NM_001077350.3 (MANE Select); 3 bases into the intron after coding-DNA position 1351, A replaced by G.
Molecular consequence: intron variant.
Genome position (GRCh38, 1-based): chr16:89,710, T>C on the plus strand (A>G on the coding strand, the complement: NPRL3 is on the minus strand). VCF-style: chr16-89710-T-C. GRCh37 (hg19) VCF-style: chr16-139708-T-C.
Other names: c.1117+3A>G (NM_001243247.2); c.1276+3A>G (NM_001243248.2, NM_001243249.2); c.814+3A>G (NM_001039476.3).
Identifiers: ClinVar variation 2861865 (VCV002861865.3), dbSNP rs2542803580, ClinGen allele CA2630726870.